The following is an entry in ClinVar:

NM_004329.3(BMPR1A):c.246C>G (p.Cys82Trp)

Gene: BMPR1A (bone morphogenetic protein receptor type 1A; plus strand). Cytogenetic location: 10q23.2.
Variant type: single nucleotide variant.
Coding change: c.246C>G on transcript NM_004329.3 (MANE Select); coding-DNA position 246, C replaced by G.
Protein change: p.Cys82Trp; replaces cysteine 82 with tryptophan.
Molecular consequence: missense variant. On other transcripts: non-coding transcript variant (3).
Genome position (GRCh38, 1-based): chr10:86,892,142, C>G. VCF-style: chr10-86892142-C-G. GRCh37 (hg19) VCF-style: chr10-88651899-C-G.
Other names: c.246C>G, p.Cys82Trp (NM_001406566.1, NM_001406567.1, NM_001406559.1 and 23 more transcripts); c.162C>G, p.Cys54Trp (NM_001406584.1, NM_001406585.1, NM_001406586.1 and 2 more transcripts); short protein forms C54W, C82W.
Identifiers: ClinVar variation 3775781 (VCV003775781.2).

ClinVar aggregate classification (germline): Conflicting classifications of pathogenicity. Review status: criteria provided, conflicting classifications (1 of 4 stars). 2 submissions from 2 submitters: Pathogenic (1); Uncertain significance (1). Last evaluated 2026-06-18.

Conditions:
Hereditary cancer-predisposing syndrome. Also called: Tumor predisposition; Hereditary neoplastic syndrome; Hereditary Cancer Syndrome; Neoplastic Syndromes, Hereditary. Identifiers: Orphanet 140162, MedGen C0027672, MeSH D009386, MONDO:0015356.
Juvenile polyposis syndrome (JPS). Identifiers: Orphanet 2929, MedGen C0345893, MONDO:0017380, OMIM 174900.

Submissions (2):

Ambry Genetics
Classification: Pathogenic for Hereditary cancer-predisposing syndrome. Last evaluated: 2026-06-18. Review status: criteria provided, single submitter. Criteria: Ambry Variant Classification Scheme 2023. Collection method: clinical testing. Allele origin: germline.
Comment: The p.C82W pathogenic mutation (also known as c.246C>G), located in coding exon 3 of the BMPR1A gene, results from a C to G substitution at nucleotide position 246. The cysteine at codon 82 is replaced by tryptophan, an amino acid with highly dissimilar properties. This variant was reported in individual(s) with features consistent with BMPR1A-related juvenile polyposis syndrome (Ambry internal data). Other variant(s) at the same codon, p.C82F (c.245G>T), and p.C82Y (c.245G>A), have been identified in individual(s) with features consistent with BMPR1A-related juvenile polyposis syndrome (Ambry internal data). This missense variant is located in a region that has a low rate of benign missense variation (Lek M et al. Nature. 2016 Aug 18;536(7616):285-91; DECIPHER: Database of Chromosomal Imbalance and Phenotype in Humans using Ensembl Resources. Firth H.V. et al. 2009. Am.J.Hum.Genet. 84, 524-533 (DOI)). This amino acid position is highly conserved in available vertebrate species. In addition, this alteration is predicted to be deleterious by in silico analysis. This variant is considered to be rare based on population cohorts in the Genome Aggregation Database (gnomAD). Based on the supporting evidence, this variant is interpreted as a disease-causing mutation.

3billion
Classification: Uncertain significance for Juvenile polyposis syndrome. Last evaluated: 2023-06-01. Review status: criteria provided, single submitter. Criteria: ACMG Guidelines, 2015. Collection method: clinical testing. Allele origin: germline. Affected: yes.
Comment: The variant is not observed in the gnomAD v2.1.1 dataset. Predicted Consequence/Location: Missense variant In silico tool predictions suggest damaging effect of the variant on gene or gene product (REVEL: 0.94; 3Cnet: 0.86). Different missense changes at the same codon (p.Cys82Phe, p.Cys82Tyr) have been reported to be associated with BMPR1A related disorder (ClinVar ID: VCV000486819 /PMID: 12417513). However the evidence of pathogenicity is insufficient at this time. Therefore, this variant is classified as VUS according to the recommendation of ACMG/AMP guideline.

Literature cited by the submitters: PubMed 12417513 (cited by 3billion).